The following is an entry in ClinVar:

ClinVar aggregate classification (germline): Pathogenic (1 of 4 stars; one submission).

Conditions:
Osteogenesis imperfecta type I (OI1). Also called: OI, TYPE I; OSTEOGENESIS IMPERFECTA TARDA; OSTEOGENESIS IMPERFECTA WITH BLUE SCLERAE; Osteogenesis imperfecta type 1; Classic Non-deforming Osteogenesis Imperfecta with Blue Sclerae; Lobstein's Disease. Identifiers: Orphanet 216796, Orphanet 666, MedGen C0023931, MONDO:0008146, OMIM 166200. Disease mechanism: loss of function.

Submission:

Labcorp Genetics (formerly Invitae), Labcorp
Classification: Pathogenic for Osteogenesis imperfecta type I. Last evaluated: 2026-02-01. Review status: criteria provided, single submitter. Criteria: Invitae Variant Classification Sherloc (09022015). Collection method: clinical testing. Allele origin: germline.
Comment: This sequence change affects an acceptor splice site in intron 1 of the COL1A1 gene. It is expected to disrupt RNA splicing. Variants that disrupt the donor or acceptor splice site typically lead to a loss of protein function (PMID: 16199547), and loss-of-function variants in COL1A1 are known to be pathogenic (PMID: 7942841, 9295084, 9443882). This variant is not present in population databases (gnomAD no frequency). Disruption of this splice site has been observed in individual(s) with osteogenesis imperfecta (PMID: 25742658, 30715774). Algorithms developed to predict the effect of sequence changes on RNA splicing suggest that this variant may disrupt the consensus splice site. For these reasons, this variant has been classified as Pathogenic.

Literature cited by the submitters: PubMed 16199547; PubMed 7942841; PubMed 9295084; PubMed 9443882; PubMed 25742658; PubMed 30715774.

NM_000088.4(COL1A1):c.104-1G>C

Gene: COL1A1 (collagen type I alpha 1 chain; minus strand). Cytogenetic location: 17q21.33.
Variant type: single nucleotide variant.
Coding change: c.104-1G>C on transcript NM_000088.4 (MANE Select); the canonical splice acceptor site of the intron before coding-DNA position 104, G replaced by C.
Molecular consequence: splice acceptor variant.
Genome position (GRCh38, 1-based): chr17:50,199,948, C>G on the plus strand (G>C on the coding strand, the complement: COL1A1 is on the minus strand). VCF-style: chr17-50199948-C-G. GRCh37 (hg19) VCF-style: chr17-48277309-C-G.
Identifiers: ClinVar variation 4710418 (VCV004710418.1).
Genomic context (GRCh38, chr17:50,199,948, plus strand): 5'-GTTTCCACACGTCTCGGTCATGGTACCTGAGGCCGTTCTGTACGCAGGTGATTGGTGGGA[C>G]TGGGACAGGCGGAAGAGGGGCGTTGTCAGTAGTGACTGCAACCCCCAGCTTAACCACCTT-3'